The following is an entry in ClinVar:

ClinVar aggregate classification (germline): Uncertain significance (1 of 4 stars; one submission).

Conditions:
ALG1-congenital disorder of glycosylation. Also called: CONGENITAL DISORDER OF GLYCOSYLATION, TYPE Ik; CDG Ik; ALG1-CDG. Identifiers: Orphanet 79327, MedGen C2931005, MONDO:0012052, OMIM 608540.

Allele frequency attached by ClinVar (database versions not stated): TOPMed below 0.00001.

Submission:

Labcorp Genetics (formerly Invitae), Labcorp
Classification: Uncertain significance for ALG1-congenital disorder of glycosylation. Last evaluated: 2023-05-22. Review status: criteria provided, single submitter. Criteria: Invitae Variant Classification Sherloc (09022015). Collection method: clinical testing. Allele origin: germline.
Comment: In summary, the available evidence is currently insufficient to determine the role of this variant in disease. Therefore, it has been classified as a Variant of Uncertain Significance. Advanced modeling of protein sequence and biophysical properties (such as structural, functional, and spatial information, amino acid conservation, physicochemical variation, residue mobility, and thermodynamic stability) performed at Invitae indicates that this missense variant is not expected to disrupt ALG1 protein function. ClinVar contains an entry for this variant (Variation ID: 1501521). This variant has not been reported in the literature in individuals affected with ALG1-related conditions. This variant is not present in population databases (gnomAD no frequency). This sequence change replaces asparagine, which is neutral and polar, with lysine, which is basic and polar, at codon 197 of the ALG1 protein (p.Asn197Lys).

NM_019109.5(ALG1):c.591T>A (p.Asn197Lys)

Gene: ALG1 (ALG1 chitobiosyldiphosphodolichol beta-mannosyltransferase; plus strand). Cytogenetic location: 16p13.3.
Variant type: single nucleotide variant.
Coding change: c.591T>A on transcript NM_019109.5 (MANE Select); coding-DNA position 591, T replaced by A.
Protein change: p.Asn197Lys; replaces asparagine 197 with lysine.
Molecular consequence: missense variant.
Genome position (GRCh38, 1-based): chr16:5,077,496, T>A. VCF-style: chr16-5077496-T-A. GRCh37 (hg19) VCF-style: chr16-5127497-T-A.
Other names: c.258T>A, p.Asn86Lys (NM_001330504.2); short protein forms N197K, N86K.
Identifiers: ClinVar variation 1501521 (VCV001501521.6), dbSNP rs1956934637, ClinGen allele CA394681330.
Genomic context (GRCh38, chr16:5,077,496, plus strand): 5'-TCTTTTCAGGTACGAGAAGTTCTTTGGGCGCCTGTCCCACCTGAACCTGTGTGTTACCAA[T>A]GCTATGCGAGAAGACCTGGCGGATAACTGGCACATCAGGTACCATGGCCTGGGATGACGG-3'
Protein context (NP_061982.3, residues 187-207): RLSHLNLCVT[Asn197Lys]AMREDLADNW